The following is an entry in ClinVar:

ClinVar aggregate classification (germline): Benign. Review status: criteria provided, multiple submitters, no conflicts (2 of 4 stars). 3 submissions from 2 submitters: Benign (3). Last evaluated 2018-01-13.

Conditions:
Mitochondrial complex IV deficiency, nuclear type 1 (MC4DN1). Also called: COX DEFICIENCY; Mitochondrial complex IV deficiency; Complex 4 mitochondrial respiratory chain deficiency; Deficiency of mitochondrial respiratory chain complex4; Complex IV deficiency. Identifiers: MedGen C5435656, MONDO:0700250, OMIM 220110. Disease mechanism: loss of function.
Leigh syndrome (NULS). Also called: Leigh Disease; Subacute necrotizing encephalopathy; Necrotizing encephalopathy infantile subacute of Leigh; Leigh's necrotizing encephalopathy; Leigh's disease; Leigh's syndrome. Identifiers: Orphanet 506, MedGen C2931891, MONDO:0009723, OMIM 256000.

Allele frequency attached by ClinVar (database versions not stated): TOPMed 0.17788; gnomAD 0.18397 and 0.18656; 1000 Genomes Project 30x 0.21611; 1000 Genomes Project 0.22065.
gnomAD v4.1: 33,780 of 183,922 alleles (18%); highest among the groups gnomAD compares: East Asian, 38%; 3,456 homozygotes.

Submissions (3):

Illumina Laboratory Services, Illumina
Classification: Benign for Leigh syndrome. Last evaluated: 2018-01-13. Review status: criteria provided, single submitter. Criteria: ICSL Variant Classification Criteria 13 December 2019. Collection method: clinical testing. Allele origin: germline.
Comment: This variant was observed in the ICSL laboratory as part of a predisposition screen in an ostensibly healthy population. It had not been previously curated by ICSL or reported in the Human Gene Mutation Database (HGMD: prior to June 1st, 2018), and was therefore a candidate for classification through an automated scoring system. Utilizing variant allele frequency, disease prevalence and penetrance estimates, and inheritance mode, an automated score was calculated to assess if this variant is too frequent to cause the disease. Based on the score and internal cut-off values, a variant classified as benign is not then subjected to further curation. The score for this variant resulted in a classification of benign for this disease.

Illumina Laboratory Services, Illumina
Classification: Benign for Mitochondrial complex IV deficiency, nuclear type 1. Last evaluated: 2018-01-13. Review status: criteria provided, single submitter. Criteria: ICSL Variant Classification Criteria 13 December 2019. Collection method: clinical testing. Allele origin: germline.
Comment: the same text as in the submission from Illumina Laboratory Services, Illumina above.

Breakthrough Genomics
Classification: Benign. Review status: criteria provided, single submitter. Criteria: ACMG Guidelines, 2015. Collection method: not provided. Allele origin: germline. Inheritance: Autosomal recessive inheritance. Affected: yes.

NM_001303.4(COX10):c.*371A>G

Gene: COX10 (cytochrome c oxidase assembly factor heme A:farnesyltransferase COX10; plus strand). Cytogenetic location: 17p12.
Variant type: single nucleotide variant.
Coding change: c.*371A>G on transcript NM_001303.4 (MANE Select); 371 bases downstream of the stop codon, A replaced by G.
Molecular consequence: 3 prime UTR variant.
Genome position (GRCh38, 1-based): chr17:14,207,584, A>G. VCF-style: chr17-14207584-A-G. GRCh37 (hg19) VCF-style: chr17-14110901-A-G.
Identifiers: ClinVar variation 321824 (VCV000321824.6), dbSNP rs11078234, ClinGen allele CA10648594.